The following is an entry in ClinVar:

ClinVar aggregate classification (germline): Uncertain significance (1 of 4 stars; one submission).

Conditions:
Nephronophthisis 14 (NPHP14). Identifiers: Orphanet 2318, MedGen C3539071, MONDO:0013916, OMIM 614844.

Allele frequency attached by ClinVar (database versions not stated): TOPMed below 0.00001.

Submission:

Labcorp Genetics (formerly Invitae), Labcorp
Classification: Uncertain significance for Nephronophthisis 14. Last evaluated: 2024-11-11. Review status: criteria provided, single submitter. Criteria: Invitae Variant Classification Sherloc (09022015). Collection method: clinical testing. Allele origin: germline.
Comment: This sequence change replaces alanine, which is neutral and non-polar, with glycine, which is neutral and non-polar, at codon 956 of the ZNF423 protein (p.Ala956Gly). This variant is not present in population databases (gnomAD no frequency). This variant has not been reported in the literature in individuals affected with ZNF423-related conditions. ClinVar contains an entry for this variant (Variation ID: 939272). Invitae Evidence Modeling of protein sequence and biophysical properties (such as structural, functional, and spatial information, amino acid conservation, physicochemical variation, residue mobility, and thermodynamic stability) indicates that this missense variant is not expected to disrupt ZNF423 protein function with a negative predictive value of 80%. In summary, the available evidence is currently insufficient to determine the role of this variant in disease. Therefore, it has been classified as a Variant of Uncertain Significance.

NM_001379286.1(ZNF423):c.2891C>G (p.Ala964Gly)

Gene: ZNF423 (zinc finger protein 423; minus strand). Cytogenetic location: 16q12.1.
Variant type: single nucleotide variant.
Coding change: c.2891C>G on transcript NM_001379286.1 (MANE Select); coding-DNA position 2891, C replaced by G.
Protein change: p.Ala964Gly; replaces alanine 964 with glycine.
Molecular consequence: missense variant.
Genome position (GRCh38, 1-based): chr16:49,636,285, G>C on the plus strand (C>G on the coding strand, the complement: ZNF423 is on the minus strand). VCF-style: chr16-49636285-G-C. GRCh37 (hg19) VCF-style: chr16-49670196-G-C.
Other names: c.2687C>G, p.Ala896Gly (NM_001271620.2); c.2516C>G, p.Ala839Gly (NM_001330533.2); c.2867C>G, p.Ala956Gly (NM_015069.5); short protein forms A964G, A839G, A896G, A956G.
Identifiers: ClinVar variation 939272 (VCV000939272.9), dbSNP rs1466336221, ClinGen allele CA395841161.
Genomic context (GRCh38, chr16:49,636,285, plus strand): 5'-TCGGTGAGCGTCAGCAGCGAAGGGAAGCGCTCACCACAGATGGGACACATGTAGTGCTTG[G>C]CAGGGCCCCGGTGCGTCTGCAGGTGCTCCCGTAGCCCGTTCTCCGAGAAGAAAGTCCGTG-3'
Protein context (NP_001366215.1, residues 954-974): REHLQTHRGP[Ala964Gly]KHYMCPICGE